The following is an entry in ClinVar:

NM_021224.6(ZNF462):c.7505A>G (p.Glu2502Gly)

Genes: ZNF462 (zinc finger protein 462; plus strand), LOC340512 (uncharacterized LOC340512; minus strand). Cytogenetic location: 9q31.2.
Variant type: single nucleotide variant.
Coding change: c.7505A>G on transcript NM_021224.6 (MANE Select); coding-DNA position 7505, A replaced by G.
Protein change: p.Glu2502Gly; replaces glutamic acid 2502 with glycine.
Molecular consequence: missense variant.
Genome position (GRCh38, 1-based): chr9:107,011,014, A>G. VCF-style: chr9-107011014-A-G. GRCh37 (hg19) VCF-style: chr9-109773295-A-G.
Other names: c.4910A>G, p.Glu1637Gly (NM_001347997.2); short protein forms E1637G, E2502G.
Identifiers: ClinVar variation 3234855 (VCV003234855.1), dbSNP rs2539949319, ClinGen allele CA374661884.

ClinVar aggregate classification (germline): Uncertain significance (1 of 4 stars; one submission).

Conditions:
Weiss-Kruszka syndrome. Also called: Metopic ridging-ptosis-facial dysmorphism syndrome. Identifiers: Orphanet 502430, MedGen C5568107, MONDO:0032836, OMIM 618619.

Allele frequency attached by ClinVar (database versions not stated): gnomAD exomes below 0.00001.
gnomAD v4.1: 2 of 1,613,446 alleles (0.00012%); highest among the groups gnomAD compares: South Asian, 0.0022%; no homozygotes.

Submission:

Neuberg Centre For Genomic Medicine, NCGM
Classification: Uncertain significance for Weiss-Kruszka syndrome. Review status: criteria provided, single submitter. Criteria: ACMG Guidelines, 2015. Collection method: clinical testing. Allele origin: germline. Inheritance: Autosomal dominant inheritance. Affected: yes.
Comment: The missense variant c.7505A>Gp.Glu2502Gly in ZNF462 gene has not been reported previously as a pathogenic variant nor as a benign variant, to our knowledge. The variant is novel not in any individuals in gnomAD Exomes and 1000 Genomes. The amino acid Glutamic acid at position 2502 is changed to a Glycine changing protein sequence and it might alter its composition and physico-chemical properties. The variant is predicted to be damging by SIFT. The amino acid change p.Glu2502Gly in ZNF462 is predicted as conserved by GERP++ and PhyloP across 100 vertebrates.For these reasons, this variant has been classified as Uncertain Significance.